The following is an entry in ClinVar:

NM_003850.3(SUCLA2):c.1020G>T (p.Gly340=)

Gene: SUCLA2 (succinate-CoA ligase ADP-forming subunit beta; minus strand). Cytogenetic location: 13q14.2.
Variant type: single nucleotide variant.
Coding change: c.1020G>T on transcript NM_003850.3 (MANE Select); coding-DNA position 1020, G replaced by T.
Protein change: p.Gly340=; no amino-acid change (glycine 340 retained).
Molecular consequence: synonymous variant.
Genome position (GRCh38, 1-based): chr13:47,954,227, C>A on the plus strand (G>T on the coding strand, the complement: SUCLA2 is on the minus strand). VCF-style: chr13-47954227-C-A. GRCh37 (hg19) VCF-style: chr13-48528362-C-A.
Identifiers: ClinVar variation 3046217 (VCV003046217.2), dbSNP rs1206150282, ClinGen allele CA483739596.

ClinVar aggregate classification (germline): Likely benign (0 of 4 stars; one submission).

Conditions:
SUCLA2-related disorder. Also called: SUCLA2-related condition.

Submission:

PreventionGenetics, part of Exact Sciences
Classification: Likely benign for SUCLA2-related condition. Last evaluated: 2020-04-20. Review status: no assertion criteria provided. Collection method: clinical testing. Allele origin: germline.
Comment: This variant is classified as likely benign based on ACMG/AMP sequence variant interpretation guidelines (Richards et al. 2015 PMID: 25741868, with internal and published modifications).